The following is an entry in ClinVar:

ClinVar aggregate classification (germline): Pathogenic. Review status: criteria provided, multiple submitters, no conflicts (2 of 4 stars). 2 submissions from 2 submitters: Pathogenic (2). Last evaluated 2024-02-01.

Conditions:
Inborn genetic diseases. Identifiers: MedGen C0950123, MeSH D030342.

Submissions (2):

GeneDx
Classification: Pathogenic. Last evaluated: 2024-02-01. Review status: criteria provided, single submitter. Criteria: GeneDx Variant Classification Process June 2021. Collection method: clinical testing. Allele origin: germline. Affected: yes.
Comment: Frameshift variant predicted to result in protein truncation or nonsense mediated decay in a gene for which loss of function is a known mechanism of disease; Not observed at significant frequency in large population cohorts (gnomAD); Has not been previously published as pathogenic or benign to our knowledge

Ambry Genetics
Classification: Pathogenic for Inborn genetic diseases. Last evaluated: 2022-10-27. Review status: criteria provided, single submitter. Criteria: Ambry Variant Classification Scheme 2023. Collection method: clinical testing. Allele origin: germline.
Comment: The c.7244_7247delTGGC (p.L2415Pfs*75) alteration, located in exon 9 (coding exon 7) of the ANKRD11 gene, consists of a deletion of 4 nucleotides from position 7244 to 7247, causing a translational frameshift with a predicted alternate stop codon after 75 amino acids. This alteration is expected to result in loss of function by premature protein truncation or nonsense-mediated mRNA decay. This variant was not reported in population-based cohorts in the Genome Aggregation Database (gnomAD). Based on the available evidence, this alteration is classified as pathogenic.

NM_013275.6(ANKRD11):c.7244_7247del (p.Leu2415fs)

Gene: ANKRD11 (ankyrin repeat domain containing 11; minus strand). Cytogenetic location: 16q24.3.
Variant type: Deletion.
Coding change: c.7244_7247del on transcript NM_013275.6 (MANE Select); coding-DNA positions 7244 to 7247, 4 bases deleted (TGGC; older notation c.7244_7247delTGGC).
Protein change: p.Leu2415fs; shifts the reading frame from leucine 2415.
Molecular consequence: frameshift variant.
Genome position (GRCh38, 1-based): chr16:89,279,295-89,279,298, GCCA deleted on the plus strand (TGGC on the coding strand, the reverse complement: ANKRD11 is on the minus strand); deleting any 4 consecutive bases within chr16:89,279,295-89,279,300 gives the same sequence; the c. name uses the placement nearest the transcript's 3' end. VCF-style (leftmost placement, unchanged base first): chr16-89279294-GGCCA-G. GRCh37 (hg19) VCF-style: chr16-89345702-GGCCA-G.
Other names: c.7244_7247del, p.Leu2415fs (NM_001256182.2, NM_001256183.2); c.7244_7247del (NM_013275.5); short protein forms L2415fs.
Identifiers: ClinVar variation 2312938 (VCV002312938.3), dbSNP rs2544218793, ClinGen allele CA2580092260.